The following is an entry in ClinVar:

NM_020461.4(TUBGCP6):c.283G>A (p.Glu95Lys)

Gene: TUBGCP6 (tubulin gamma complex component 6; minus strand). Cytogenetic location: 22q13.33.
Variant type: single nucleotide variant.
Coding change: c.283G>A on transcript NM_020461.4 (MANE Select); coding-DNA position 283, G replaced by A.
Protein change: p.Glu95Lys; replaces glutamic acid 95 with lysine.
Molecular consequence: missense variant.
Genome position (GRCh38, 1-based): chr22:50,244,177, C>T on the plus strand (G>A on the coding strand, the complement: TUBGCP6 is on the minus strand). VCF-style: chr22-50244177-C-T. GRCh37 (hg19) VCF-style: chr22-50682606-C-T.
Other names: short protein forms E95K.
Identifiers: ClinVar variation 946514 (VCV000946514.9), dbSNP rs749657448, ClinGen allele CA10309090.

ClinVar aggregate classification (germline): Uncertain significance (1 of 4 stars; one submission).

Allele frequency attached by ClinVar (database versions not stated): ExAC 0.00001; gnomAD exomes 0.00001 and 0.00002; TOPMed 0.00002.
gnomAD v4.1: 29 of 1,613,388 alleles (0.0018%); highest among the groups gnomAD compares: Non-Finnish European, 0.0025%; no homozygotes.

Submission:

Labcorp Genetics (formerly Invitae), Labcorp
Classification: Uncertain significance. Last evaluated: 2021-12-25. Review status: criteria provided, single submitter. Criteria: Invitae Variant Classification Sherloc (09022015). Collection method: clinical testing. Allele origin: germline.
Comment: In summary, the available evidence is currently insufficient to determine the role of this variant in disease. Therefore, it has been classified as a Variant of Uncertain Significance. Algorithms developed to predict the effect of missense changes on protein structure and function output the following: SIFT: "Tolerated"; PolyPhen-2: "Benign"; Align-GVGD: "Class C0". The lysine amino acid residue is found in multiple mammalian species, which suggests that this missense change does not adversely affect protein function. ClinVar contains an entry for this variant (Variation ID: 946514). This variant has not been reported in the literature in individuals affected with TUBGCP6-related conditions. This variant is present in population databases (rs749657448, gnomAD 0.002%). This sequence change replaces glutamic acid, which is acidic and polar, with lysine, which is basic and polar, at codon 95 of the TUBGCP6 protein (p.Glu95Lys).